The following is an entry in ClinVar:

ClinVar aggregate classification (germline): Uncertain significance (1 of 4 stars; one submission).

Conditions:
Lamb-Shaffer syndrome. Identifiers: Orphanet 313884, Orphanet 313892, Orphanet 530983, MedGen C4225202, MONDO:0014778, OMIM 616803.

Submission:

Dasa
Classification: Uncertain significance for Lamb-Shaffer syndrome. Last evaluated: 2025-09-05. Review status: criteria provided, single submitter. Criteria: DASA Assertion Criteria. Collection method: clinical testing. Allele origin: germline.
Comment: NM_006940.6(SOX5):c.183G>T (p.Lys61Asn) is a missense variant that results in the substitution of lysine with asparagine. This variant is absent from population databases. The currently available literature and clinical evidence are not sufficient to establish a definitive association between this variant and the reported condition. Therefore, this variant is classified as a variant of uncertain significance.

NM_006940.6(SOX5):c.183G>T (p.Lys61Asn)

Gene: SOX5 (SRY-box transcription factor 5; minus strand). Cytogenetic location: 12p12.1.
Variant type: single nucleotide variant.
Coding change: c.183G>T on transcript NM_006940.6 (MANE Select); coding-DNA position 183, G replaced by T.
Protein change: p.Lys61Asn; replaces lysine 61 with asparagine.
Molecular consequence: missense variant. On other transcripts: intron variant (1).
Genome position (GRCh38, 1-based): chr12:23,895,880, C>A on the plus strand (G>T on the coding strand, the complement: SOX5 is on the minus strand). VCF-style: chr12-23895880-C-A. GRCh37 (hg19) VCF-style: chr12-24048814-C-A.
Other names: c.144G>T, p.Lys48Asn (NM_001261414.3, NM_152989.5); c.153G>T, p.Lys51Asn (NM_001261415.3); c.165+18G>T (NM_001330785.2); short protein forms K48N, K51N, K61N.
Identifiers: ClinVar variation 4882818 (VCV004882818.2).